The following is an entry in ClinVar:

NM_001170535.3(ATAD3A):c.282+22G>A

Gene: ATAD3A (ATPase family AAA domain containing 3A; plus strand). Cytogenetic location: 1p36.33.
Variant type: single nucleotide variant.
Coding change: c.282+22G>A on transcript NM_001170535.3 (MANE Select); 22 bases into the intron after coding-DNA position 282, G replaced by A.
Molecular consequence: intron variant.
Genome position (GRCh38, 1-based): chr1:1,516,110, G>A. VCF-style: chr1-1516110-G-A. GRCh37 (hg19) VCF-style: chr1-1451490-G-A.
Other names: c.282+22G>A (NM_018188.5); c.45+22G>A (NM_001170536.3).
Identifiers: ClinVar variation 2688264 (VCV002688264.2), dbSNP rs9439460, ClinGen allele CA525657.
Genomic context (GRCh38, chr1:1,516,110, plus strand): 5'-GAGCAGACGCTGCAGTTGGAGCAACAGTCCAAGCTCAAAGTGAGTGGGGCCGGTGTGGGT[G>A]GGGAGGCCGGGGCGCACATGGGGTTCGGGCATGGAGATTGGTAGGGCTACTGCCGGTGGG-3'

ClinVar aggregate classification (germline): Benign (1 of 4 stars; one submission).

Allele frequency attached by ClinVar (database versions not stated): ESP Exome Variant Server 0.12791; ExAC 0.13566; gnomAD 0.17433; TOPMed 0.18901; 1000 Genomes Project 0.28435; 1000 Genomes Project 30x 0.28498.
gnomAD v4.1: 115,643 of 1,612,194 alleles (7.2%); highest among the groups gnomAD compares: African/African-American, 43%; 14,561 homozygotes.

Submission:

Unidad de Genómica Garrahan, Hospital de Pediatría Garrahan
Classification: Benign. Last evaluated: 2024-01-24. Review status: criteria provided, single submitter. Criteria: ACMG Guidelines, 2015. Collection method: clinical testing. Allele origin: germline. Affected: no. Observed: 27 variant alleles.
Comment: This variant is classified as Benign based on local population frequency. This variant was detected in 28% of patients studied by a panel of primary immunodeficiencies. Number of patients: 27. Only high quality variants are reported.